The following is an entry in ClinVar:

NM_002473.6(MYH9):c.4997C>T (p.Ala1666Val)

Gene: MYH9 (myosin heavy chain 9; minus strand). Cytogenetic location: 22q12.3.
Variant type: single nucleotide variant.
Coding change: c.4997C>T on transcript NM_002473.6 (MANE Select); coding-DNA position 4997, C replaced by T.
Protein change: p.Ala1666Val; replaces alanine 1666 with valine.
Molecular consequence: missense variant.
Genome position (GRCh38, 1-based): chr22:36,286,782, G>A on the plus strand (C>T on the coding strand, the complement: MYH9 is on the minus strand). VCF-style: chr22-36286782-G-A. GRCh37 (hg19) VCF-style: chr22-36682828-G-A.
Other names: short protein forms A1666V.
Identifiers: ClinVar variation 3361347 (VCV003361347.1).

ClinVar aggregate classification (germline): Uncertain significance (1 of 4 stars; one submission).

gnomAD v4.1: 7 of 1,612,748 alleles (0.00043%); highest among the groups gnomAD compares: African/African-American, 0.0013%; no homozygotes.

Submission:

GeneDx
Classification: Uncertain significance. Last evaluated: 2023-07-19. Review status: criteria provided, single submitter. Criteria: GeneDx Variant Classification Process June 2021. Collection method: clinical testing. Allele origin: germline. Affected: yes.
Comment: Not observed at significant frequency in large population cohorts (gnomAD); In silico analysis supports that this missense variant does not alter protein structure/function; Has not been previously published as pathogenic or benign to our knowledge